The following is an entry in ClinVar:

ClinVar aggregate classification (germline): Uncertain significance (1 of 4 stars; one submission).

Submission:

Ambry Genetics
Classification: Uncertain significance. Last evaluated: 2023-02-02. Review status: criteria provided, single submitter. Criteria: Ambry Variant Classification Scheme 2023. Collection method: clinical testing. Allele origin: germline.
Comment: The c.655_656delGCinsAA variant (also known as p.A219K), located in coding exon 3 of the GALNT12 gene, results from an in-frame deletion of GC and insertion of AA at nucleotide positions 655 to 656. This results in the substitution of the alanine residue for a lysine residue at codon 219, an amino acid with dissimilar properties. This amino acid position is well conserved in available vertebrate species. The evidence for this gene-disease relationship is limited; therefore, the clinical significance of this alteration is unclear.

NM_024642.5(GALNT12):c.655_656delinsAA (p.Ala219Lys)

Gene: GALNT12 (polypeptide N-acetylgalactosaminyltransferase 12; plus strand). Cytogenetic location: 9q22.33.
Variant type: Indel.
Coding change: c.655_656delinsAA on transcript NM_024642.5 (MANE Select); coding-DNA positions 655 to 656, GC replaced by AA.
Protein change: p.Ala219Lys; replaces alanine 219 with lysine.
Molecular consequence: missense variant.
Genome position (GRCh38, 1-based): chr9:98,826,865-98,826,866, GC replaced by AA. VCF-style: chr9-98826865-GC-AA. GRCh37 (hg19) VCF-style: chr9-101589147-GC-AA.
Other names: short protein forms A219K.
Identifiers: ClinVar variation 2451779 (VCV002451779.2), dbSNP rs2490502071, ClinGen allele CA2580080826.